The following is an entry in ClinVar:

ClinVar aggregate classification (germline): Uncertain significance (1 of 4 stars; one submission).

Submission:

Labcorp Genetics (formerly Invitae), Labcorp
Classification: Uncertain significance. Last evaluated: 2026-01-07. Review status: criteria provided, single submitter. Criteria: Invitae Variant Classification Sherloc (09022015). Collection method: clinical testing. Allele origin: germline.
Comment: This sequence change replaces glycine, which is neutral and non-polar, with arginine, which is basic and polar, at codon 664 of the DSG1 protein (p.Gly664Arg). This variant is not present in population databases (gnomAD no frequency). This variant has not been reported in the literature in individuals affected with DSG1-related conditions. ClinVar contains an entry for this variant (Variation ID: 1507016). Invitae Evidence Modeling of protein sequence and biophysical properties (such as structural, functional, and spatial information, amino acid conservation, physicochemical variation, residue mobility, and thermodynamic stability) indicates that this missense variant is not expected to disrupt DSG1 protein function with a negative predictive value of 80%. In summary, the available evidence is currently insufficient to determine the role of this variant in disease. Therefore, it has been classified as a Variant of Uncertain Significance.

NM_001942.4(DSG1):c.1990G>A (p.Gly664Arg)

Genes: DSG1 (desmoglein 1; plus strand), DSG1-AS1 (DSG1 antisense RNA 1; minus strand). Cytogenetic location: 18q12.1.
Variant type: single nucleotide variant.
Coding change: c.1990G>A on transcript NM_001942.4 (MANE Select); coding-DNA position 1990, G replaced by A.
Protein change: p.Gly664Arg; replaces glycine 664 with arginine.
Molecular consequence: missense variant.
Genome position (GRCh38, 1-based): chr18:31,346,088, G>A. VCF-style: chr18-31346088-G-A. GRCh37 (hg19) VCF-style: chr18-28926051-G-A.
Other names: short protein forms G664R.
Identifiers: ClinVar variation 1507016 (VCV001507016.8), dbSNP rs2144111199, ClinGen allele CA402118803.